The following is an entry in ClinVar:

ClinVar aggregate classification (germline): Likely benign (1 of 4 stars; one submission).

Submission:

CeGaT Center for Human Genetics Tuebingen
Classification: Likely benign. Last evaluated: 2026-06-01. Review status: criteria provided, single submitter. Criteria: CeGaT Center For Human Genetics Tuebingen Variant Classification Criteria Version 2. Collection method: clinical testing. Allele origin: germline. Affected: yes. Observed: 1 variant allele.
Comment: RP1L1: BP4, BP7

NM_178857.6(RP1L1):c.5637A>T (p.Ala1879=)

Gene: RP1L1 (RP1 like 1). Cytogenetic location: 8p23.1.
Variant type: single nucleotide variant.
Coding change: c.5637A>T on transcript NM_178857.6 (MANE Select); coding-DNA position 5637, A replaced by T.
Protein change: p.Ala1879=; no amino-acid change (alanine 1879 retained).
Molecular consequence: synonymous variant.
Genome position (GRCh38, 1-based): chr8:10,608,461, T>A on the plus strand (A>T on the coding strand, the complement: RP1L1 is on the minus strand). VCF-style: chr8-10608461-T-A. GRCh37 (hg19) VCF-style: chr8-10465971-T-A.
Identifiers: ClinVar variation 4872458 (VCV004872458.2).